The following is an entry in ClinVar:

NM_022124.6(CDH23):c.738C>T (p.Tyr246=)

Gene: CDH23 (cadherin related 23; plus strand). Cytogenetic location: 10q22.1.
Variant type: single nucleotide variant.
Coding change: c.738C>T on transcript NM_022124.6 (MANE Select); coding-DNA position 738, C replaced by T.
Protein change: p.Tyr246=; no amino-acid change (tyrosine 246 retained).
Molecular consequence: synonymous variant.
Genome position (GRCh38, 1-based): chr10:71,570,903, C>T. VCF-style: chr10-71570903-C-T. GRCh37 (hg19) VCF-style: chr10-73330660-C-T.
Other names: c.738C>T, p.Tyr246= (NM_001171930.2, NM_001171931.2, NM_001171932.2 and 1 more transcripts).
Identifiers: ClinVar variation 763922 (VCV000763922.35), dbSNP rs745668474, ClinGen allele CA5543525.

ClinVar aggregate classification (germline): Likely benign. Review status: criteria provided, multiple submitters, no conflicts (2 of 4 stars). 5 submissions from 5 submitters: Likely benign (4). 1 of the submissions does not count toward it. Last evaluated 2025-05-18.

Conditions:
CDH23-related disorder. Also called: CDH23-related condition; CDH23-related disorders.
Usher syndrome type 1 (USH1). Also called: RETINITIS PIGMENTOSA AND CONGENITAL DEAFNESS. Identifiers: Orphanet 231169, Orphanet 886, MedGen C1568247, MONDO:0010168, OMIM 276900.

Allele frequency attached by ClinVar (database versions not stated): gnomAD exomes 0.00001 and 0.00002; ExAC 0.00002; TOPMed 0.00002; gnomAD 0.00005 and 0.00006.
gnomAD v4.1: 28 of 1,613,882 alleles (0.0017%); highest among the groups gnomAD compares: South Asian, 0.0066%; no homozygotes.

Submissions (5):

Labcorp Genetics (formerly Invitae), Labcorp
Classification: Likely benign. Last evaluated: 2025-05-18. Review status: criteria provided, single submitter. Criteria: Invitae Variant Classification Sherloc (09022015). Collection method: clinical testing. Allele origin: germline.

PreventionGenetics, part of Exact Sciences
Classification: Likely benign for CDH23-related condition. Last evaluated: 2025-04-14. Review status: criteria provided, single submitter. Criteria: ACMG Guidelines, 2015. Collection method: clinical testing. Allele origin: germline.
Comment: This variant is classified as likely benign based on ACMG/AMP sequence variant interpretation guidelines (Richards et al. 2015 PMID: 25741868, with internal and published modifications).

Blueprint Genetics
Classification: Likely benign. Last evaluated: 2024-11-25. Review status: criteria provided, single submitter. Criteria: ACMG Guidelines, 2015. Collection method: clinical testing. Allele origin: germline.

CeGaT Center for Human Genetics Tuebingen
Classification: Likely benign. Last evaluated: 2024-01-01. Review status: criteria provided, single submitter. Criteria: CeGaT Center For Human Genetics Tuebingen Variant Classification Criteria Version 2. Collection method: clinical testing. Allele origin: germline. Affected: yes. Observed: 1 variant allele.
Comment: CDH23: BP4, BP7

Natera, Inc.
Classification: Likely benign for Usher syndrome type 1. Last evaluated: 2020-10-28. Review status: no assertion criteria provided. Collection method: clinical testing. Allele origin: germline. Not counted in ClinVar's aggregate classification.